The following is an entry in ClinVar:

ClinVar aggregate classification (germline): Uncertain significance (1 of 4 stars; one submission).

Submission:

Labcorp Genetics (formerly Invitae), Labcorp
Classification: Uncertain significance. Last evaluated: 2022-04-13. Review status: criteria provided, single submitter. Criteria: Invitae Variant Classification Sherloc (09022015). Collection method: clinical testing. Allele origin: germline.
Comment: In summary, the available evidence is currently insufficient to determine the role of this variant in disease. Therefore, it has been classified as a Variant of Uncertain Significance. Algorithms developed to predict the effect of missense changes on protein structure and function are either unavailable or do not agree on the potential impact of this missense change (SIFT: "Deleterious"; PolyPhen-2: "Probably Damaging"; Align-GVGD: "Class C0"). This variant has not been reported in the literature in individuals affected with RGS9BP-related conditions. This variant is not present in population databases (gnomAD no frequency). This sequence change replaces arginine, which is basic and polar, with cysteine, which is neutral and slightly polar, at codon 63 of the RGS9BP protein (p.Arg63Cys).

NM_207391.3(RGS9BP):c.187C>T (p.Arg63Cys)

Gene: RGS9BP (regulator of G protein signaling 9 binding protein; plus strand). Cytogenetic location: 19q13.11.
Variant type: single nucleotide variant.
Coding change: c.187C>T on transcript NM_207391.3 (MANE Select); coding-DNA position 187, C replaced by T.
Protein change: p.Arg63Cys; replaces arginine 63 with cysteine.
Molecular consequence: missense variant.
Genome position (GRCh38, 1-based): chr19:32,676,450, C>T. VCF-style: chr19-32676450-C-T. GRCh37 (hg19) VCF-style: chr19-33167356-C-T.
Other names: short protein forms R63C.
Identifiers: ClinVar variation 1965001 (VCV001965001.5), dbSNP rs2513248746, ClinGen allele CA405185780.